The following is an entry in ClinVar:

NM_152906.7(TANGO2):c.605+134T>C

Gene: TANGO2 (transport and golgi organization 2 homolog; plus strand). Cytogenetic location: 22q11.21.
Variant type: single nucleotide variant.
Coding change: c.605+134T>C on transcript NM_152906.7 (MANE Select); 134 bases into the intron after coding-DNA position 605, T replaced by C.
Molecular consequence: intron variant.
Genome position (GRCh38, 1-based): chr22:20,061,817, T>C. VCF-style: chr22-20061817-T-C. GRCh37 (hg19) VCF-style: chr22-20049340-T-C.
Other names: c.605+134T>C (NM_001283106.3, NM_001322142.2, NM_001283116.3); c.419+134T>C (NM_001322163.2, NM_001283179.3, NM_001322167.2 and 2 more transcripts); c.311+134T>C (NM_001322174.2, NM_001322172.2, NM_001322175.2 and 6 more transcripts); c.501+136T>C (NM_001322160.2); c.728+134T>C (NM_001322143.2, NM_001322141.2, NM_001283129.3); c.542+134T>C (NM_001322145.2, NM_001322147.2); c.503+134T>C (NM_001322146.2, NM_001322148.2); c.603+136T>C (NM_001283154.3, NM_001283148.3); and 6 more.
Identifiers: ClinVar variation 684139 (VCV000684139.2), dbSNP rs410655, ClinGen allele CA14972984.
Genomic context (GRCh38, chr22:20,061,817, plus strand): 5'-GCCCCGGGAGGCCCATGGAAGTGGCCAGGCTGGGTCCCCAGCTGCAGGGAAGCTGATGGA[T>C]ATCCTGTCCTCCCTGCCTGTCCCCTTGAGCCAGCTGAGGTTTCCAACACCAGGGACTTTT-3'

ClinVar aggregate classification (germline): Benign. Review status: criteria provided, multiple submitters, no conflicts (2 of 4 stars). 2 submissions from 2 submitters: Benign (2). Last evaluated 2018-06-19.

Allele frequency attached by ClinVar (database versions not stated): gnomAD exomes 0.40304; gnomAD 0.43316 and 0.43896; TOPMed 0.44900; 1000 Genomes Project 30x 0.52467; 1000 Genomes Project 0.53155.
gnomAD v4.1: 464,514 of 1,136,382 alleles (41%); highest among the groups gnomAD compares: East Asian, 69%; 99,263 homozygotes.

Submissions (2):

GeneDx
Classification: Benign. Last evaluated: 2018-06-19. Review status: criteria provided, single submitter. Criteria: GeneDx Variant Classification (06012015). Collection method: clinical testing. Allele origin: germline. Affected: yes.
Comment: This variant is considered likely benign or benign based on one or more of the following criteria: it is a conservative change, it occurs at a poorly conserved position in the protein, it is predicted to be benign by multiple in silico algorithms, and/or has population frequency not consistent with disease.

Breakthrough Genomics
Classification: Benign. Review status: criteria provided, single submitter. Criteria: ACMG Guidelines, 2015. Collection method: not provided. Allele origin: germline. Inheritance: Autosomal recessive inheritance. Affected: yes.